The following is an entry in ClinVar:

ClinVar aggregate classification (germline): Pathogenic. Review status: criteria provided, multiple submitters, no conflicts (2 of 4 stars). 2 submissions from 2 submitters: Pathogenic (2). Last evaluated 2025-06-09.

Conditions:
Chudley-McCullough syndrome (CMCS). Also called: DEAFNESS, SENSORINEURAL, WITH PARTIAL AGENESIS OF THE CORPUS CALLOSUM AND ARACHNOID CYSTS; Deafness, autosomal recessive 82. Identifiers: Orphanet 314597, MedGen C1858695, MONDO:0011411, OMIM 604213.

Allele frequency attached by ClinVar (database versions not stated): gnomAD 0.00001; ExAC 0.00002.
gnomAD v4.1: 12 of 1,610,752 alleles (0.00074%); highest among the groups gnomAD compares: Admixed American, 0.0017%; no homozygotes.

Submissions (2):

Dasa
Classification: Pathogenic. Last evaluated: 2025-06-09. Review status: criteria provided, single submitter. Criteria: DASA Assertion Criteria. Collection method: clinical testing. Allele origin: germline.
Comment: NM_013296.5(GPSM2):c.832C>T (p.Arg278*) introduces a premature termination codon predicted to result in loss of normal protein function. Loss-of-function is an established mechanism of disease for this gene. This variant has been observed in affected individuals with related phenotype in a genotype context consistent with recessive disease (PMID: 26561413; PMID: 32747562). This variant has been recurrently observed in individuals with related phenotype (PMID: 26561413; PMID: 32747562). The variant is present at low frequency in population datasets. Based on the available data, this variant is classified as pathogenic.

King Laboratory, University of Washington
Classification: Pathogenic for Chudley-McCullough syndrome. Last evaluated: 2020-08-01. Review status: criteria provided, single submitter. Criteria: Abu Rayyan A et al. (Proc Natl Acad Sci U S A 2020). Collection method: research. Allele origin: germline. Affected: yes.
Comment: GPSM2 c.832C>T leads to a stop at codon 278. It is absent from 1300 Palestinian controls and from public databases.

Literature cited by the submitters: PubMed 26561413 (cited by Dasa); PubMed 32747562 (cited by Dasa).

NM_013296.5(GPSM2):c.832C>T (p.Arg278Ter)

Gene: GPSM2 (G protein signaling modulator 2; plus strand). Cytogenetic location: 1p13.3.
Variant type: single nucleotide variant.
Coding change: c.832C>T on transcript NM_013296.5 (MANE Select); coding-DNA position 832, C replaced by T.
Protein change: p.Arg278Ter; replaces arginine 278 with a stop codon.
Molecular consequence: nonsense.
Genome position (GRCh38, 1-based): chr1:108,901,824, C>T. VCF-style: chr1-108901824-C-T. GRCh37 (hg19) VCF-style: chr1-109444446-C-T.
Other names: NM_013296.4:c.832C>T, p.(Arg278*); c.832C>T, p.Arg278Ter (NM_001321038.2, NM_001321039.3); short protein forms R278*.
Identifiers: ClinVar variation 1299315 (VCV001299315.3), dbSNP rs762285081, ClinGen allele CA982898.